The following is an entry in ClinVar:

ClinVar aggregate classification (germline): Likely benign. Review status: criteria provided, multiple submitters, no conflicts (2 of 4 stars). 2 submissions from 2 submitters: Likely benign (2). Last evaluated 2024-11-09.

Conditions:
Tay-Sachs disease, variant AB. Also called: GM2 Activator Deficiency; Gm2-gangliosidosis, ab variant. Identifiers: Orphanet 309246, MedGen C0268275, MONDO:0010099, OMIM 272750.

Allele frequency attached by ClinVar (database versions not stated): TOPMed 0.00001; gnomAD exomes 0.00003 and 0.00005; ExAC 0.00004; gnomAD 0.00004.
gnomAD v4.1: 79 of 1,613,226 alleles (0.0049%); highest among the groups gnomAD compares: Non-Finnish European, 0.0064%; no homozygotes.

Submissions (2):

Labcorp Genetics (formerly Invitae), Labcorp
Classification: Likely benign for Tay-Sachs disease, variant AB. Last evaluated: 2024-11-09. Review status: criteria provided, single submitter. Criteria: Invitae Variant Classification Sherloc (09022015). Collection method: clinical testing. Allele origin: germline.

CeGaT Center for Human Genetics Tuebingen
Classification: Likely benign. Last evaluated: 2024-02-01. Review status: criteria provided, single submitter. Criteria: CeGaT Center For Human Genetics Tuebingen Variant Classification Criteria Version 2. Collection method: clinical testing. Allele origin: germline. Affected: yes. Observed: 1 variant allele.
Comment: GM2A: BP4, BP7

NM_000405.5(GM2A):c.177C>T (p.Ile59=)

Gene: GM2A (ganglioside GM2 activator; plus strand). Cytogenetic location: 5q33.1.
Variant type: single nucleotide variant.
Coding change: c.177C>T on transcript NM_000405.5 (MANE Select); coding-DNA position 177, C replaced by T.
Protein change: p.Ile59=; no amino-acid change (isoleucine 59 retained).
Molecular consequence: synonymous variant.
Genome position (GRCh38, 1-based): chr5:151,259,850, C>T. VCF-style: chr5-151259850-C-T. GRCh37 (hg19) VCF-style: chr5-150639411-C-T.
Other names: c.177C>T, p.Ile59= (NM_001167607.3).
Identifiers: ClinVar variation 1584036 (VCV001584036.30), dbSNP rs745799277, ClinGen allele CA3517885.
Genomic context (GRCh38, chr5:151,259,850, plus strand): 5'-TGATGAAGGGAAGGACCCTGCGGTGATCAGAAGCCTGACTCTGGAGCCTGACCCCATCAT[C>T]GTTCCTGGAAATGTGACCCTCAGTGTCATGGGCAGCACCAGTGTCCCCCTGAGTTCTCCT-3'
Protein context (NP_000396.2, residues 49-69): RSLTLEPDPI[Ile59=]VPGNVTLSVM